The following is an entry in ClinVar:

NM_173494.2(DNAAF6):c.471A>G (p.Gln157=)

Gene: DNAAF6 (dynein axonemal assembly factor 6; plus strand). Cytogenetic location: Xq22.3.
Variant type: single nucleotide variant.
Coding change: c.471A>G on transcript NM_173494.2 (MANE Select); coding-DNA position 471, A replaced by G.
Protein change: p.Gln157=; no amino-acid change (glutamine 157 retained).
Molecular consequence: synonymous variant.
Genome position (GRCh38, 1-based): chrX:107,238,963, A>G. VCF-style: chrX-107238963-A-G. GRCh37 (hg19) VCF-style: chrX-106482193-A-G.
Other names: c.471A>G (NM_001169154.1); c.471A>G, p.Gln157= (NM_001169154.2).
Identifiers: ClinVar variation 2059520 (VCV002059520.6), dbSNP rs375767930, ClinGen allele CA10484693.
Genomic context (GRCh38, chrX:107,238,963, plus strand): 5'-TTCTCATTTTCTCTTTCAGGCTAAAATTAAATTGCCAAATACAAACCCTTCTGATATTCA[A>G]ATTGATATCCAGGAAACAATCCTTGACCTTCGTACTCCTCAGAAGTGAGTAAAACTTAGA-3'
Protein context (NP_775765.1, residues 147-167): KLPNTNPSDI[Gln157=]IDIQETILDL

ClinVar aggregate classification (germline): Benign/Likely benign. Review status: criteria provided, multiple submitters, no conflicts (2 of 4 stars). 3 submissions from 3 submitters: Benign (1); Likely benign (1). 1 of the submissions does not count toward it. Last evaluated 2026-01-21.

Conditions:
DNAAF6-related disorder. Also called: DNAAF6-related condition.

Allele frequency attached by ClinVar (database versions not stated): 1000 Genomes Project 30x 0.00021; ExAC 0.00024; 1000 Genomes Project 0.00026; ESP Exome Variant Server 0.00038; TOPMed 0.00040; gnomAD 0.00048; gnomAD exomes 0.00051.
gnomAD v4.1: 624 of 1,208,898 alleles (0.052%); highest among the groups gnomAD compares: Non-Finnish European, 0.064%; no homozygotes.

Submissions (3):

Labcorp Genetics (formerly Invitae), Labcorp
Classification: Benign. Last evaluated: 2026-01-21. Review status: criteria provided, single submitter. Criteria: Invitae Variant Classification Sherloc (09022015). Collection method: clinical testing. Allele origin: germline.

Blueprint Genetics
Classification: Likely benign. Last evaluated: 2024-08-29. Review status: criteria provided, single submitter. Criteria: ACMG Guidelines, 2015. Collection method: clinical testing. Allele origin: germline.

PreventionGenetics, part of Exact Sciences
Classification: Likely benign for DNAAF6-related condition. Last evaluated: 2024-05-30. Review status: no assertion criteria provided. Collection method: clinical testing. Allele origin: germline. Not counted in ClinVar's aggregate classification.
Comment: This variant is classified as likely benign based on ACMG/AMP sequence variant interpretation guidelines (Richards et al. 2015 PMID: 25741868, with internal and published modifications).